The following is an entry in ClinVar:

NM_001382567.1(STIM1):c.2058GGA[1] (p.Glu687del)

Genes: STIM1 (stromal interaction molecule 1; plus strand), LOC124418421 (Sharpr-MPRA regulatory region 9588; plus strand). Cytogenetic location: 11p15.4.
Variant type: Microsatellite.
Coding change: c.2058GGA[1] on transcript NM_001382567.1 (MANE Select); one copy of the 3-base unit GGA starting at c.2058; the reference has two copies in a row; one copy, 3 bases deleted.
Protein change: p.Glu687del; deletes glutamic acid 687.
Molecular consequence: inframe deletion. On other transcripts: 3 prime UTR variant (4), non-coding transcript variant (3).
Genome position (GRCh38, 1-based): chr11:4,091,708-4,091,710, GGA deleted; deleting any 3 consecutive bases within chr11:4,091,703-4,091,710 gives the same sequence; the position shown is the placement nearest the transcript's 3' end. VCF-style (leftmost placement, unchanged base first): chr11-4091702-TGAG-T. GRCh37 (hg19) VCF-style: chr11-4112932-TGAG-T.
Other names: c.2283GGA[1], p.Glu762del (NM_001277961.3); c.*379GGA[1] (NM_001277962.2, NM_001382578.1, NM_001382579.1 and 1 more transcripts); c.2061GGA[1], p.Glu688del (NM_001382566.1); c.1986GGA[1], p.Glu663del (NM_001382568.1); c.1830GGA[1], p.Glu611del (NM_001382569.1); c.1737GGA[1], p.Glu580del (NM_001382570.1); c.1485GGA[1], p.Glu496del (NM_001382571.1); c.1743GGA[1], p.Glu582del (NM_001382575.1, NM_001382576.1, NM_001382577.1); and 2 more; short protein forms E580del, E582del, E611del, E493del, E656del, E663del, E762del, E496del.
Identifiers: ClinVar variation 2183240 (VCV002183240.4), dbSNP rs747758858, ClinGen allele CA5830656.
Genomic context (GRCh38, chr11:4,091,702, plus strand): 5'-AGCCCTGCAAGCCAGCCGAAACACACGCATTCCCCACCTGGCTGGCAAGAAGGCTGTGGC[TGAG>T]GAGGATAATGGCTCTATTGGCGAGGAAACAGACTCCAGCCCAGGCCGGAAGAAGTTTCCC-3'

ClinVar aggregate classification (germline): Uncertain significance (1 of 4 stars; one submission).

Conditions:
Combined immunodeficiency due to STIM1 deficiency. Also called: STIM1 DEFICIENCY; IMMUNODEFICIENCY 10. Identifiers: Orphanet 169090, Orphanet 317430, MedGen C2748557, MONDO:0013008, OMIM 612783.
Myopathy with tubular aggregates (TAM). Also called: Tubular Aggregate Myopathy. Identifiers: Orphanet 2593, MedGen C0410207, MONDO:0008051.
Stormorken syndrome (STRMK). Also called: THROMBOCYTOPATHY, ASPLENIA, AND MIOSIS. Identifiers: Orphanet 3204, MedGen C1861451, MONDO:0008497, OMIM 185070.

Submission:

Labcorp Genetics (formerly Invitae), Labcorp
Classification: Uncertain significance for Myopathy with tubular aggregates; Combined immunodeficiency due to STIM1 deficiency; Stormorken syndrome. Last evaluated: 2025-02-17. Review status: criteria provided, single submitter. Criteria: Invitae Variant Classification Sherloc (09022015). Collection method: clinical testing. Allele origin: germline.
Comment: This variant, c.1968_1970del, results in the deletion of 1 amino acid(s) of the STIM1 protein (p.Glu656del), but otherwise preserves the integrity of the reading frame. This variant is present in population databases (rs747758858, gnomAD 0.006%). This variant has not been reported in the literature in individuals affected with STIM1-related conditions. Experimental studies and prediction algorithms are not available or were not evaluated, and the functional significance of this variant is currently unknown. In summary, the available evidence is currently insufficient to determine the role of this variant in disease. Therefore, it has been classified as a Variant of Uncertain Significance.